The following is an entry in ClinVar:

NM_017534.6(MYH2):c.4684G>A (p.Gly1562Arg)

Genes: MYHAS (myosin heavy chain gene cluster antisense RNA; plus strand), MYH2 (myosin heavy chain 2; minus strand), LOC126862500 (BRD4-independent group 4 enhancer GRCh37_chr17:10427829-10429028; plus strand). Cytogenetic location: 17p13.1.
Variant type: single nucleotide variant.
Coding change: c.4684G>A on transcript NM_017534.6 (MANE Select); coding-DNA position 4684, G replaced by A.
Protein change: p.Gly1562Arg; replaces glycine 1562 with arginine.
Molecular consequence: missense variant.
Genome position (GRCh38, 1-based): chr17:10,525,044, C>T on the plus strand (G>A on the coding strand, the complement: MYH2 is on the minus strand). VCF-style: chr17-10525044-C-T. GRCh37 (hg19) VCF-style: chr17-10428361-C-T.
Other names: c.4684G>A, p.Gly1562Arg (NM_001100112.2); short protein forms G1562R.
Identifiers: ClinVar variation 534354 (VCV000534354.7), dbSNP rs1555569889, ClinGen allele CA398124134.

ClinVar aggregate classification (germline): Uncertain significance. Review status: criteria provided, multiple submitters, no conflicts (2 of 4 stars). 2 submissions from 2 submitters: Uncertain significance (2). Last evaluated 2023-12-17.

Conditions:
Myopathy, proximal, and ophthalmoplegia (CMYO6). Also called: MYOPATHY WITH CONGENITAL JOINT CONTRACTURES, OPHTHALMOPLEGIA, AND RIMMED VACUOLES; INCLUSION BODY MYOPATHY 3, AUTOSOMAL DOMINANT; CONGENITAL MYOPATHY 6 WITH OPHTHALMOPLEGIA. Identifiers: Orphanet 363677, Orphanet 79091, MedGen C1854106, MONDO:0011577, OMIM 605637.
Inborn genetic diseases. Identifiers: MedGen C0950123, MeSH D030342.

Allele frequency attached by ClinVar (database versions not stated): TOPMed 0.00001.

Submissions (2):

Ambry Genetics
Classification: Uncertain significance for Inborn genetic diseases. Last evaluated: 2023-12-17. Review status: criteria provided, single submitter. Criteria: Ambry Variant Classification Scheme 2023. Collection method: clinical testing. Allele origin: germline.

Labcorp Genetics (formerly Invitae), Labcorp
Classification: Uncertain significance for Myopathy, proximal, and ophthalmoplegia. Last evaluated: 2021-08-06. Review status: criteria provided, single submitter. Criteria: Invitae Variant Classification Sherloc (09022015). Collection method: clinical testing. Allele origin: germline.
Comment: In summary, the available evidence is currently insufficient to determine the role of this variant in disease. Therefore, it has been classified as a Variant of Uncertain Significance. Algorithms developed to predict the effect of missense changes on protein structure and function (SIFT, PolyPhen-2, Align-GVGD) all suggest that this variant is likely to be disruptive, but these predictions have not been confirmed by published functional studies and their clinical significance is uncertain. This variant has not been reported in the literature in individuals with MYH2-related disease. This variant is not present in population databases (ExAC no frequency). This sequence change replaces glycine with arginine at codon 1562 of the MYH2 protein (p.Gly1562Arg). The glycine residue is highly conserved and there is a moderate physicochemical difference between glycine and arginine.